The following is an entry in ClinVar:

ClinVar aggregate classification (germline): Uncertain significance. Review status: criteria provided, multiple submitters, no conflicts (2 of 4 stars). 2 submissions from 2 submitters: Uncertain significance (2). Last evaluated 2025-04-01.

Conditions:
SEMA3D-related disorder. Also called: SEMA3D-related condition.

Allele frequency attached by ClinVar (database versions not stated): TOPMed 0.00002; gnomAD 0.00003; gnomAD exomes 0.00003; 1000 Genomes Project 30x 0.00016; 1000 Genomes Project 0.00020.
gnomAD v4.1: 50 of 1,611,178 alleles (0.0031%); highest among the groups gnomAD compares: South Asian, 0.048%; no homozygotes.

Submissions (2):

Ambry Genetics
Classification: Uncertain significance. Last evaluated: 2025-04-01. Review status: criteria provided, single submitter. Criteria: Ambry Variant Classification Scheme 2023. Collection method: clinical testing. Allele origin: germline.

PreventionGenetics, part of Exact Sciences
Classification: Uncertain significance for SEMA3D-related condition. Last evaluated: 2023-05-29. Review status: criteria provided, single submitter. Criteria: ACMG Guidelines, 2015. Collection method: clinical testing. Allele origin: germline.
Comment: The SEMA3D c.455A>G variant is predicted to result in the amino acid substitution p.His152Arg. To our knowledge, this variant has not been reported in the literature. This variant is reported in 0.040% of alleles in individuals of South Asian descent in gnomAD. At this time, the clinical significance of this variant is uncertain due to the absence of conclusive functional and genetic evidence.

NM_001384900.1(SEMA3D):c.455A>G (p.His152Arg)

Gene: SEMA3D (semaphorin 3D; minus strand). Cytogenetic location: 7q21.11.
Variant type: single nucleotide variant.
Coding change: c.455A>G on transcript NM_001384900.1 (MANE Select); coding-DNA position 455, A replaced by G.
Protein change: p.His152Arg; replaces histidine 152 with arginine.
Molecular consequence: missense variant.
Genome position (GRCh38, 1-based): chr7:85,073,002, T>C on the plus strand (A>G on the coding strand, the complement: SEMA3D is on the minus strand). VCF-style: chr7-85073002-T-C. GRCh37 (hg19) VCF-style: chr7-84702318-T-C.
Other names: c.455A>G, p.His152Arg (NM_001384901.1, NM_001384902.1, NM_001384903.1 and 1 more transcripts); short protein forms H152R.
Identifiers: ClinVar variation 2632076 (VCV002632076.2), dbSNP rs547265159, ClinGen allele CA4323740.